The following is an entry in ClinVar:

NM_001243279.3(ACSF3):c.746G>A (p.Gly249Asp)

Gene: ACSF3 (acyl-CoA synthetase family member 3; plus strand). Cytogenetic location: 16q24.3.
Variant type: single nucleotide variant.
Coding change: c.746G>A on transcript NM_001243279.3 (MANE Select); coding-DNA position 746, G replaced by A.
Protein change: p.Gly249Asp; replaces glycine 249 with aspartic acid.
Molecular consequence: missense variant. On other transcripts: 5 prime UTR variant (1), non-coding transcript variant (3).
Genome position (GRCh38, 1-based): chr16:89,102,683, G>A. VCF-style: chr16-89102683-G-A. GRCh37 (hg19) VCF-style: chr16-89169091-G-A.
Other names: c.746G>A, p.Gly249Asp (NM_001127214.4, NM_174917.5); c.-50G>A (NM_001284316.2); short protein forms G249D.
Identifiers: ClinVar variation 2180904 (VCV002180904.1), dbSNP rs1381634837, ClinGen allele CA397137879.

ClinVar aggregate classification (germline): Uncertain significance (1 of 4 stars; one submission).

Conditions:
Combined malonic and methylmalonic acidemia. Identifiers: Orphanet 289504, MedGen C3280314, MONDO:0013661, OMIM 614265.

Allele frequency attached by ClinVar (database versions not stated): gnomAD exomes below 0.00001.
gnomAD v4.1: 2 of 1,613,788 alleles (0.00012%); highest among the groups gnomAD compares: Admixed American, 0.0017%; no homozygotes.

Submission:

Labcorp Genetics (formerly Invitae), Labcorp
Classification: Uncertain significance for Combined malonic and methylmalonic acidemia. Last evaluated: 2022-04-26. Review status: criteria provided, single submitter. Criteria: Invitae Variant Classification Sherloc (09022015). Collection method: clinical testing. Allele origin: germline.
Comment: This sequence change replaces glycine, which is neutral and non-polar, with aspartic acid, which is acidic and polar, at codon 249 of the ACSF3 protein (p.Gly249Asp). This variant is present in population databases (no rsID available, gnomAD 0.003%). This variant has not been reported in the literature in individuals affected with ACSF3-related conditions. Advanced modeling of protein sequence and biophysical properties (such as structural, functional, and spatial information, amino acid conservation, physicochemical variation, residue mobility, and thermodynamic stability) performed at Invitae indicates that this missense variant is expected to disrupt ACSF3 protein function. In summary, the available evidence is currently insufficient to determine the role of this variant in disease. Therefore, it has been classified as a Variant of Uncertain Significance.